The following is an entry in ClinVar:

ClinVar aggregate classification (germline): Likely benign (1 of 4 stars; one submission).

Conditions:
Familial cancer of breast. Also called: hereditary breast carcinoma; BREAST CANCER, FAMILIAL; Hereditary breast cancer. Identifiers: Orphanet 227535, MedGen C0346153, MONDO:0016419, OMIM 114480. Disease mechanism: loss of function.

Submission:

Myriad Genetics, Inc.
Classification: Likely benign for Familial cancer of breast. Last evaluated: 2024-05-28. Review status: criteria provided, single submitter. Criteria: Myriad Autosomal Dominant, Autosomal Recessive and X-Linked Classification Criteria (2023). Collection method: clinical testing. Allele origin: unknown.
Comment: This variant is considered likely benign. This variant is intronic and is not expected to impact mRNA splicing.

NM_000051.4(ATM):c.6007-13T>C

Genes: ATM (ATM serine/threonine kinase; plus strand), C11orf65 (chromosome 11 open reading frame 65; minus strand). Cytogenetic location: 11q22.3.
Variant type: single nucleotide variant.
Coding change: c.6007-13T>C on transcript NM_000051.4 (MANE Select); 13 bases into the intron before coding-DNA position 6007, T replaced by C.
Molecular consequence: intron variant.
Genome position (GRCh38, 1-based): chr11:108,315,810, T>C. VCF-style: chr11-108315810-T-C. GRCh37 (hg19) VCF-style: chr11-108186537-T-C.
Other names: c.6007-13T>C (NM_001351834.2); c.641-6739A>G (NM_001330368.2); c.*39-6739A>G (NM_001351110.2).
Identifiers: ClinVar variation 3254507 (VCV003254507.1), dbSNP rs775798226.
Genomic context (GRCh38, chr11:108,315,810, plus strand): 5'-CAATTTAAAATTTGCTAAATTTATAGACCGATTTTTTTTCCTTCTTCAATTTTTGTTGTT[T>C]CCATGTTTTCAGGATCTTCTCTTAGAAATCTACAGAAGTATAGGGGAGCCAGATAGTTTG-3'